The following is an entry in ClinVar:

NM_013275.6(ANKRD11):c.7027A>G (p.Met2343Val)

Gene: ANKRD11 (ankyrin repeat domain 11; minus strand). Cytogenetic location: 16q24.3.
Variant type: single nucleotide variant.
Coding change: c.7027A>G on transcript NM_013275.6 (MANE Select); coding-DNA position 7027, A replaced by G.
Protein change: p.Met2343Val; replaces methionine 2343 with valine.
Molecular consequence: missense variant.
Genome position (GRCh38, 1-based): chr16:89,279,515, T>C on the plus strand (A>G on the coding strand, the complement: ANKRD11 is on the minus strand). VCF-style: chr16-89279515-T-C. GRCh37 (hg19) VCF-style: chr16-89345923-T-C.
Other names: c.7027A>G, p.Met2343Val (NM_001256182.2, NM_001256183.2); short protein forms M2343V.
Identifiers: ClinVar variation 1971229 (VCV001971229.5), dbSNP rs969115786, ClinGen allele CA286509567.
Genomic context (GRCh38, chr16:89,279,515, plus strand): 5'-GGGTGGGGGCGCACTCCTTCTCGGAGGGGGGCGGGCCCTGCTTGCTCTGGTTCGCGAGCA[T>C]CTGCGCCCGGTTCCTGGTCATGCGCTGAGGGATCTCCTCCACTCGGGGGGCCTTCGGGGC-3'
Protein context (NP_037407.4, residues 2333-2353): PQRMTRNRAQ[Met2343Val]LANQSKQGPP

ClinVar aggregate classification (germline): Uncertain significance (1 of 4 stars; one submission).

Conditions:
KBG syndrome (KBGS). Also called: ANKRD11-Related KBG Syndrome. Identifiers: Orphanet 2332, MedGen C0220687, MONDO:0007846, OMIM 148050.

Allele frequency attached by ClinVar (database versions not stated): gnomAD 0.00001; gnomAD exomes 0.00001; TOPMed 0.00001.
gnomAD v4.1: 8 of 1,368,366 alleles (0.00058%); highest among the groups gnomAD compares: Non-Finnish European, 0.0008%; no homozygotes.

Submission:

Labcorp Genetics (formerly Invitae), Labcorp
Classification: Uncertain significance for KBG syndrome. Last evaluated: 2023-04-15. Review status: criteria provided, single submitter. Criteria: Invitae Variant Classification Sherloc (09022015). Collection method: clinical testing. Allele origin: germline.
Comment: In summary, the available evidence is currently insufficient to determine the role of this variant in disease. Therefore, it has been classified as a Variant of Uncertain Significance. Advanced modeling of protein sequence and biophysical properties (such as structural, functional, and spatial information, amino acid conservation, physicochemical variation, residue mobility, and thermodynamic stability) performed at Invitae indicates that this missense variant is not expected to disrupt ANKRD11 protein function. ClinVar contains an entry for this variant (Variation ID: 1971229). This variant has not been reported in the literature in individuals affected with ANKRD11-related conditions. This variant is not present in population databases (gnomAD no frequency). This sequence change replaces methionine, which is neutral and non-polar, with valine, which is neutral and non-polar, at codon 2343 of the ANKRD11 protein (p.Met2343Val).